The following is an entry in ClinVar:

NM_001927.4(DES):c.1049G>T (p.Arg350Leu)

Gene: DES (desmin; plus strand). Cytogenetic location: 2q35.
Variant type: single nucleotide variant.
Coding change: c.1049G>T on transcript NM_001927.4 (MANE Select); coding-DNA position 1049, G replaced by T.
Protein change: p.Arg350Leu; replaces arginine 350 with leucine.
Molecular consequence: missense variant. On other transcripts: intron variant (2).
Genome position (GRCh38, 1-based): chr2:219,421,365, G>T. VCF-style: chr2-219421365-G-T. GRCh37 (hg19) VCF-style: chr2-220286087-G-T.
Other names: c.1046G>T, p.Arg349Leu (NM_001382708.1); c.1028G>T, p.Arg343Leu (NM_001382711.1); c.1049G>T, p.Arg350Leu (NM_001382712.1); c.779G>T, p.Arg260Leu (NM_001382713.1); c.1024-44G>T (NM_001382710.1); c.736-119G>T (NM_001382709.1); short protein forms R350L, R260L, R343L, R349L.
Identifiers: ClinVar variation 953258 (VCV000953258.10), dbSNP rs57965306, ClinGen allele CA350693836.
Genomic context (GRCh38, chr2:219,421,365, plus strand): 5'-TCCCTTCCTTGACCTGGGTTCCCCCTCTCCTGCAGAACGATTCCCTGATGAGGCAGATGC[G>T]GGAATTGGAGGACCGATTTGCCAGTGAGGCCAGTGGCTACCAGGACAACATTGCGCGCCT-3'
Protein context (NP_001918.3, residues 340-360): GTNDSLMRQM[Arg350Leu]ELEDRFASEA

ClinVar aggregate classification (germline): Uncertain significance (1 of 4 stars; one submission).

Conditions:
Desmin-related myofibrillar myopathy (MFM1). Also called: Desminopathy; Desmin related myopathy (former name); Desmin storage myopathy (former name); MYOFIBRILLAR MYOPATHY WITH ARRHYTHMOGENIC RIGHT VENTRICULAR CARDIOMYOPATHY; DESMIN-RELATED MYOPATHY WITH ARRHYTHMOGENIC RIGHT VENTRICULAR CARDIOMYOPATHY; Myofibrillar myopathy 1. Identifiers: Orphanet 363543, Orphanet 98909, MedGen C1832370, MONDO:0011076, OMIM 601419.

Submission:

Labcorp Genetics (formerly Invitae), Labcorp
Classification: Uncertain significance for Desmin-related myofibrillar myopathy. Last evaluated: 2019-07-26. Review status: criteria provided, single submitter. Criteria: Invitae Variant Classification Sherloc (09022015). Collection method: clinical testing. Allele origin: germline.
Comment: In summary, the available evidence is currently insufficient to determine the role of this variant in disease. Therefore, it has been classified as a Variant of Uncertain Significance. This variant disrupts the p.Arg350 amino acid residue in DES. Other variant(s) that disrupt this residue have been determined to be pathogenic (PMID: 15800015, 17439987). This suggests that this residue is clinically significant, and that variants that disrupt this residue are likely to be disease-causing. Algorithms developed to predict the effect of missense changes on protein structure and function are either unavailable or do not agree on the potential impact of this missense change (SIFT: "Tolerated"; PolyPhen-2: "Probably Damaging"; Align-GVGD: "Class C15"). This variant has not been reported in the literature in individuals with DES-related conditions. This variant is not present in population databases (ExAC no frequency). This sequence change replaces arginine with leucine at codon 350 of the DES protein (p.Arg350Leu). The arginine residue is highly conserved and there is a moderate physicochemical difference between arginine and leucine.

Literature cited by the submitters: PubMed 15800015; PubMed 17439987.